The following is an entry in ClinVar:

ClinVar aggregate classification (germline): Uncertain significance. Review status: criteria provided, multiple submitters, no conflicts (2 of 4 stars). 3 submissions from 3 submitters: Uncertain significance (3). Last evaluated 2026-07-08.

Conditions:
Inborn genetic diseases. Identifiers: MedGen C0950123, MeSH D030342.
Bethlem myopathy 1A. Also called: Bethlem myopathy 1; Bethlem Muscular Dystrophy; MYOPATHY, BENIGN CONGENITAL, WITH CONTRACTURES. Identifiers: Orphanet 610, MedGen CN029274, MONDO:0024530, OMIM 158810.

Allele frequency attached by ClinVar (database versions not stated): ExAC 0.00001; TOPMed below 0.00001; gnomAD 0.00001.
gnomAD v4.1: 9 of 1,613,980 alleles (0.00056%); highest among the groups gnomAD compares: South Asian, 0.0033%; no homozygotes.

Submissions (3):

Ambry Genetics
Classification: Uncertain significance for Inborn genetic diseases. Last evaluated: 2026-07-08. Review status: criteria provided, single submitter. Criteria: Ambry Variant Classification Scheme 2023. Collection method: clinical testing. Allele origin: germline.

Labcorp Genetics (formerly Invitae), Labcorp
Classification: Uncertain significance for Bethlem myopathy 1A. Last evaluated: 2024-09-10. Review status: criteria provided, single submitter. Criteria: Invitae Variant Classification Sherloc (09022015). Collection method: clinical testing. Allele origin: germline.
Comment: This sequence change replaces proline, which is neutral and non-polar, with leucine, which is neutral and non-polar, at codon 1337 of the COL6A3 protein (p.Pro1337Leu). This variant is present in population databases (rs777023618, gnomAD 0.003%). This variant has not been reported in the literature in individuals affected with COL6A3-related conditions. ClinVar contains an entry for this variant (Variation ID: 2178607). Invitae Evidence Modeling of protein sequence and biophysical properties (such as structural, functional, and spatial information, amino acid conservation, physicochemical variation, residue mobility, and thermodynamic stability) has been performed for this missense variant. However, the output from this modeling did not meet the statistical confidence thresholds required to predict the impact of this variant on COL6A3 protein function. In summary, the available evidence is currently insufficient to determine the role of this variant in disease. Therefore, it has been classified as a Variant of Uncertain Significance.

Revvity Omics, Revvity
Classification: Uncertain significance. Last evaluated: 2023-10-17. Review status: criteria provided, single submitter. Criteria: ACMG Guidelines, 2015. Collection method: clinical testing. Allele origin: germline.

NM_004369.4(COL6A3):c.4010C>T (p.Pro1337Leu)

Gene: COL6A3 (collagen type VI alpha 3 chain; minus strand). Cytogenetic location: 2q37.3.
Variant type: single nucleotide variant.
Coding change: c.4010C>T on transcript NM_004369.4 (MANE Select); coding-DNA position 4010, C replaced by T.
Protein change: p.Pro1337Leu; replaces proline 1337 with leucine.
Molecular consequence: missense variant.
Genome position (GRCh38, 1-based): chr2:237,372,007, G>A on the plus strand (C>T on the coding strand, the complement: COL6A3 is on the minus strand). VCF-style: chr2-237372007-G-A. GRCh37 (hg19) VCF-style: chr2-238280650-G-A.
Other names: c.2789C>T, p.Pro930Leu (NM_057164.5); c.3392C>T, p.Pro1131Leu (NM_057165.5, NM_057167.4); c.2189C>T, p.Pro730Leu (NM_057166.5); short protein forms P1131L, P730L, P930L, P1337L.
Identifiers: ClinVar variation 2178607 (VCV002178607.6), dbSNP rs777023618, ClinGen allele CA2189020.